The following is an entry in ClinVar:

ClinVar aggregate classification (germline): Uncertain significance (1 of 4 stars; one submission).

Submission:

Ambry Genetics
Classification: Uncertain significance. Last evaluated: 2021-10-07. Review status: criteria provided, single submitter. Criteria: Ambry Variant Classification Scheme 2023. Collection method: clinical testing. Allele origin: germline.
Comment: The p.R1935G variant (also known as c.5803C>G), located in coding exon 8 of the ALPK2 gene, results from a C to G substitution at nucleotide position 5803. The arginine at codon 1935 is replaced by glycine, an amino acid with dissimilar properties. This amino acid position is conserved. In addition, the in silico prediction for this alteration is inconclusive. Since supporting evidence is limited at this time, the clinical significance of this alteration remains unclear.

NM_052947.4(ALPK2):c.5803C>G (p.Arg1935Gly)

Gene: ALPK2 (alpha kinase 2; minus strand). Cytogenetic location: 18q21.31.
Variant type: single nucleotide variant.
Coding change: c.5803C>G on transcript NM_052947.4 (MANE Select); coding-DNA position 5803, C replaced by G.
Protein change: p.Arg1935Gly; replaces arginine 1935 with glycine.
Molecular consequence: missense variant.
Genome position (GRCh38, 1-based): chr18:58,517,045, G>C on the plus strand (C>G on the coding strand, the complement: ALPK2 is on the minus strand). VCF-style: chr18-58517045-G-C. GRCh37 (hg19) VCF-style: chr18-56184277-G-C.
Other names: short protein forms R1935G.
Identifiers: ClinVar variation 1749793 (VCV001749793.2), dbSNP rs3809984, ClinGen allele CA402548753.